The following is an entry in ClinVar:

NM_153704.6(TMEM67):c.2680T>A (p.Tyr894Asn)

Gene: TMEM67 (transmembrane protein 67; plus strand). Cytogenetic location: 8q22.1.
Variant type: single nucleotide variant.
Coding change: c.2680T>A on transcript NM_153704.6 (MANE Select); coding-DNA position 2680, T replaced by A.
Protein change: p.Tyr894Asn; replaces tyrosine 894 with asparagine.
Molecular consequence: missense variant. On other transcripts: non-coding transcript variant (1).
Genome position (GRCh38, 1-based): chr8:93,809,803, T>A. VCF-style: chr8-93809803-T-A. GRCh37 (hg19) VCF-style: chr8-94822031-T-A.
Other names: c.2437T>A, p.Tyr813Asn (NM_001142301.1); short protein forms Y813N, Y894N.
Identifiers: ClinVar variation 1382042 (VCV001382042.4), dbSNP rs1170985091, ClinGen allele CA371699484.
Genomic context (GRCh38, chr8:93,809,803, plus strand): 5'-TCACTACTGTTTGTGAAATGATGCTGTCTTTTTCTTTATTAGGTTCATAAGGAAATGGAT[T>A]ACTTTATAAAAGATAAGTTGCTTCTTGAAAGAATTCTTGGAATGGAATTCATGGAACCAA-3'
Protein context (NP_714915.3, residues 884-904): FIDHVHKEMD[Tyr894Asn]FIKDKLLLER

ClinVar aggregate classification (germline): Uncertain significance. Review status: criteria provided, multiple submitters, no conflicts (2 of 4 stars). 2 submissions from 2 submitters: Uncertain significance (2). Last evaluated 2024-01-20.

Conditions:
Bardet-Biedl syndrome 14 (BBS14). Identifiers: Orphanet 110, MedGen C2673874, MONDO:0014442, OMIM 615991.
Joubert syndrome 6 (JBTS6). Identifiers: Orphanet 475, MedGen C1853153, MONDO:0012539, OMIM 610688.
RHYNS syndrome. Also called: RETINITIS PIGMENTOSA SYNDROME; RETINITIS PIGMENTOSA, HYPOPITUITARISM, NEPHRONOPHTHISIS, AND MILD SKELETAL DYSPLASIA. Identifiers: Orphanet 140976, MedGen C1865794, MONDO:0011202, OMIM 602152.
Meckel syndrome, type 3 (MKS3). Also called: MECKEL-GRUBER SYNDROME, TYPE 3. Identifiers: Orphanet 564, MedGen C1846357, MONDO:0011821, OMIM 607361.
COACH syndrome 1. Identifiers: Orphanet 1454, MedGen C5435651, MONDO:0800103, OMIM 216360, MONDO:0008996.
Nephronophthisis 11 (NPHP11). Identifiers: Orphanet 84081, MedGen C3150796, MONDO:0013302, OMIM 613550.
Joubert syndrome. Also called: CEREBELLOPARENCHYMAL DISORDER IV; JOUBERT-BOLTSHAUSER SYNDROME; Familial aplasia of the vermis. Identifiers: Orphanet 475, MedGen C5979921, MONDO:0018772.
Meckel-Gruber syndrome. Also called: DYSENCEPHALIA SPLANCHNOCYSTICA; GRUBER SYNDROME; Dysencephalia splachnocystica. Identifiers: Orphanet 564, MedGen C0265215, MONDO:0018921.

Allele frequency attached by ClinVar (database versions not stated): gnomAD exomes below 0.00001; TOPMed below 0.00001.
gnomAD v4.1: 3 of 1,586,452 alleles (0.00019%); highest among the groups gnomAD compares: Non-Finnish European, 0.00026%; no homozygotes.

Submissions (2):

Fulgent Genetics
Classification: Uncertain significance for COACH syndrome 1; RHYNS syndrome; Meckel syndrome, type 3; Joubert syndrome 6; Nephronophthisis 11; Bardet-Biedl syndrome 14. Last evaluated: 2024-01-20. Review status: criteria provided, single submitter. Criteria: ACMG Guidelines, 2015. Collection method: clinical testing. Allele origin: germline.

Labcorp Genetics (formerly Invitae), Labcorp
Classification: Uncertain significance for Joubert syndrome; Meckel-Gruber syndrome. Last evaluated: 2021-07-29. Review status: criteria provided, single submitter. Criteria: Invitae Variant Classification Sherloc (09022015). Collection method: clinical testing. Allele origin: germline.
Comment: This sequence change replaces tyrosine with asparagine at codon 894 of the TMEM67 protein (p.Tyr894Asn). The tyrosine residue is highly conserved and there is a large physicochemical difference between tyrosine and asparagine. This variant is not present in population databases (ExAC no frequency). This variant has not been reported in the literature in individuals affected with TMEM67-related conditions. Advanced modeling of protein sequence and biophysical properties (such as structural, functional, and spatial information, amino acid conservation, physicochemical variation, residue mobility, and thermodynamic stability) performed at Invitae indicates that this missense variant is expected to disrupt TMEM67 protein function. In summary, the available evidence is currently insufficient to determine the role of this variant in disease. Therefore, it has been classified as a Variant of Uncertain Significance.